The following is an entry in ClinVar:

ClinVar aggregate classification (germline): Benign. Review status: criteria provided, multiple submitters, no conflicts (2 of 4 stars). 3 submissions from 3 submitters: Benign (2). 1 of the submissions does not count toward it. Last evaluated 2019-12-31.

Conditions:
CNTN4-related disorder. Also called: CNTN4-related condition.

Allele frequency attached by ClinVar (database versions not stated): gnomAD 0.00364 and 0.00384; ESP Exome Variant Server 0.00440; 1000 Genomes Project 0.00339; TOPMed 0.00390; 1000 Genomes Project 30x 0.00359.
gnomAD v4.1: 1,032 of 1,613,942 alleles (0.064%); highest among the groups gnomAD compares: African/African-American, 1.3%; 7 homozygotes.

Submissions (3):

Labcorp Genetics (formerly Invitae), Labcorp
Classification: Benign. Last evaluated: 2019-12-31. Review status: criteria provided, single submitter. Criteria: Invitae Variant Classification Sherloc (09022015). Collection method: clinical testing. Allele origin: germline.

Breakthrough Genomics
Classification: Benign. Review status: criteria provided, single submitter. Criteria: ACMG Guidelines, 2015. Collection method: not provided. Allele origin: germline. Inheritance: Unknown mechanism. Affected: yes.

PreventionGenetics, part of Exact Sciences
Classification: Benign for CNTN4-related condition. Last evaluated: 2019-06-18. Review status: no assertion criteria provided. Collection method: clinical testing. Allele origin: germline. Not counted in ClinVar's aggregate classification.
Comment: This variant is classified as benign based on ACMG/AMP sequence variant interpretation guidelines (Richards et al. 2015 PMID: 25741868, with internal and published modifications).

NM_175607.3(CNTN4):c.531G>A (p.Gly177=)

Gene: CNTN4 (contactin 4; plus strand). Cytogenetic location: 3p26.2.
Variant type: single nucleotide variant.
Coding change: c.531G>A on transcript NM_175607.3 (MANE Select); coding-DNA position 531, G replaced by A.
Protein change: p.Gly177=; no amino-acid change (glycine 177 retained).
Molecular consequence: synonymous variant.
Genome position (GRCh38, 1-based): chr3:2,866,828, G>A. VCF-style: chr3-2866828-G-A. GRCh37 (hg19) VCF-style: chr3-2908512-G-A.
Other names: c.531G>A, p.Gly177= (NM_001206955.2, NM_001350095.2).
Identifiers: ClinVar variation 786497 (VCV000786497.7), dbSNP rs149729477, ClinGen allele CA2227070.